The following is an entry in ClinVar:

ClinVar aggregate classification (germline): Uncertain significance (1 of 4 stars; one submission).

Conditions:
Autosomal recessive ataxia, Beauce type. Also called: SYNE1 Deficiency; Spinocerebellar ataxia, autosomal recessive 8; ATAXIA, RECESSIVE, OF BEAUCE; SYNE1-Related Autosomal Recessive Cerebellar Ataxia. Identifiers: Orphanet 88644, MedGen C1853116, MONDO:0012549, OMIM 610743.
Emery-Dreifuss muscular dystrophy 4, autosomal dominant (EDMD4). Also called: EMERY-DREIFUSS MUSCULAR DYSTROPHY 4 WITH VARIABLE FEATURES. Identifiers: Orphanet 261, MedGen C2751807, MONDO:0013071, OMIM 612998.

gnomAD v4.1: 1 of 1,614,062 alleles (0.000062%); highest among the groups gnomAD compares: Admixed American, 0.0017%; no homozygotes.

Submission:

Labcorp Genetics (formerly Invitae), Labcorp
Classification: Uncertain significance for Emery-Dreifuss muscular dystrophy 4, autosomal dominant; Autosomal recessive ataxia, Beauce type. Last evaluated: 2022-11-08. Review status: criteria provided, single submitter. Criteria: Invitae Variant Classification Sherloc (09022015). Collection method: clinical testing. Allele origin: germline.
Comment: In summary, the available evidence is currently insufficient to determine the role of this variant in disease. Therefore, it has been classified as a Variant of Uncertain Significance. Algorithms developed to predict the effect of missense changes on protein structure and function output the following: SIFT: "Tolerated"; PolyPhen-2: "Benign"; Align-GVGD: "Class C0". The serine amino acid residue is found in multiple mammalian species, which suggests that this missense change does not adversely affect protein function. This variant has not been reported in the literature in individuals affected with SYNE1-related conditions. This variant is present in population databases (no rsID available, gnomAD 0.003%). This sequence change replaces cysteine, which is neutral and slightly polar, with serine, which is neutral and polar, at codon 2223 of the SYNE1 protein (p.Cys2223Ser).

NM_182961.4(SYNE1):c.6646T>A (p.Cys2216Ser)

Gene: SYNE1 (spectrin repeat containing nuclear envelope protein 1; minus strand). Cytogenetic location: 6q25.2.
Variant type: single nucleotide variant.
Coding change: c.6646T>A on transcript NM_182961.4 (MANE Select); coding-DNA position 6646, T replaced by A.
Protein change: p.Cys2216Ser; replaces cysteine 2216 with serine.
Molecular consequence: missense variant.
Genome position (GRCh38, 1-based): chr6:152,407,091, A>T on the plus strand (T>A on the coding strand, the complement: SYNE1 is on the minus strand). VCF-style: chr6-152407091-A-T. GRCh37 (hg19) VCF-style: chr6-152728226-A-T.
Other names: c.6667T>A, p.Cys2223Ser (NM_033071.5); short protein forms C2216S, C2223S.
Identifiers: ClinVar variation 1997240 (VCV001997240.4), dbSNP rs1183559257, ClinGen allele CA366123975.
Genomic context (GRCh38, chr6:152,407,091, plus strand): 5'-GTTCTTCAGCTCTGAGGTGGTTATCCAGGTTGCTGATGTTTTCTGCCATCTGTGGAACGC[A>T]GTTGTTTGACCATCCCTCAATCTCATCTCTAGTTGACAGTACATCATCCCAAATGGACAG-3'
Protein context (NP_892006.3, residues 2206-2226): RDEIEGWSNN[Cys2216Ser]VPQMAENISN